The following is an entry in ClinVar:

ClinVar aggregate classification (germline): Uncertain significance (1 of 4 stars; one submission).

Conditions:
Aortic aneurysm, familial thoracic 7 (AAT7). Also called: AORTIC DISSECTION, FAMILIAL, WITH OR WITHOUT AORTIC ANEURYSM. Identifiers: MedGen C3151077, MONDO:0013418, OMIM 613780.

Submission:

Labcorp Genetics (formerly Invitae), Labcorp
Classification: Uncertain significance for Aortic aneurysm, familial thoracic 7. Last evaluated: 2024-04-29. Review status: criteria provided, single submitter. Criteria: Invitae Variant Classification Sherloc (09022015). Collection method: clinical testing. Allele origin: germline.
Comment: This sequence change replaces leucine, which is neutral and non-polar, with proline, which is neutral and non-polar, at codon 1117 of the MYLK protein (p.Leu1117Pro). This variant is not present in population databases (gnomAD no frequency). This variant has not been reported in the literature in individuals affected with MYLK-related conditions. ClinVar contains an entry for this variant (Variation ID: 653715). Advanced modeling of protein sequence and biophysical properties (such as structural, functional, and spatial information, amino acid conservation, physicochemical variation, residue mobility, and thermodynamic stability) has been performed at Invitae for this missense variant, however the output from this modeling did not meet the statistical confidence thresholds required to predict the impact of this variant on MYLK protein function. In summary, the available evidence is currently insufficient to determine the role of this variant in disease. Therefore, it has been classified as a Variant of Uncertain Significance.

NM_053025.4(MYLK):c.3350T>C (p.Leu1117Pro)

Gene: MYLK (myosin light chain kinase; minus strand). Cytogenetic location: 3q21.1.
Variant type: single nucleotide variant.
Coding change: c.3350T>C on transcript NM_053025.4 (MANE Select); coding-DNA position 3350, T replaced by C.
Protein change: p.Leu1117Pro; replaces leucine 1117 with proline.
Molecular consequence: missense variant.
Genome position (GRCh38, 1-based): chr3:123,700,118, A>G on the plus strand (T>C on the coding strand, the complement: MYLK is on the minus strand). VCF-style: chr3-123700118-A-G. GRCh37 (hg19) VCF-style: chr3-123418965-A-G.
Other names: c.2822T>C, p.Leu941Pro (NM_001321309.2); c.3143T>C, p.Leu1048Pro (NM_053026.4, NM_053028.4); c.3350T>C, p.Leu1117Pro (NM_053027.4); short protein forms L1048P, L941P, L1117P.
Identifiers: ClinVar variation 653715 (VCV000653715.10), dbSNP rs1576620071, ClinGen allele CA354229153.
Genomic context (GRCh38, chr3:123,700,118, plus strand): 5'-GTCTTTCCGTTCAGCGTCCAGATGATGGTGGCTGGGGGGTCAGAAGACACCTGGCACTGG[A>G]GCAGCAGCTTCTTGCCCTCTGCCACATGAACATCTTGCAGCTTCTGCTTGAAGGCTGGGG-3'
Protein context (NP_444253.3, residues 1107-1127): VHVAEGKKLL[Leu1117Pro]QCQVSSDPPA